The following is an entry in ClinVar:

ClinVar aggregate classification (germline): Uncertain significance (1 of 4 stars; one submission).

Submission:

Ambry Genetics
Classification: Uncertain significance. Last evaluated: 2022-06-04. Review status: criteria provided, single submitter. Criteria: Ambry Variant Classification Scheme 2023. Collection method: clinical testing. Allele origin: germline.
Comment: The p.R249I variant (also known as c.746G>T), located in coding exon 8 of the FAM175A gene, results from a G to T substitution at nucleotide position 746. The arginine at codon 249 is replaced by isoleucine, an amino acid with similar properties. This amino acid position is conserved. In addition, this alteration is predicted to be tolerated by in silico analysis. Since supporting evidence is limited at this time, the clinical significance of this alteration remains unclear.

NM_139076.3(ABRAXAS1):c.746G>T (p.Arg249Ile)

Gene: ABRAXAS1 (abraxas 1, BRCA1 A complex subunit; minus strand). Cytogenetic location: 4q21.23.
Variant type: single nucleotide variant.
Coding change: c.746G>T on transcript NM_139076.3 (MANE Select); coding-DNA position 746, G replaced by T.
Protein change: p.Arg249Ile; replaces arginine 249 with isoleucine.
Molecular consequence: missense variant.
Genome position (GRCh38, 1-based): chr4:83,463,544, C>A on the plus strand (G>T on the coding strand, the complement: ABRAXAS1 is on the minus strand). VCF-style: chr4-83463544-C-A. GRCh37 (hg19) VCF-style: chr4-84384697-C-A.
Other names: c.419G>T, p.Arg140Ile (NM_001345962.2); short protein forms R140I, R249I.
Identifiers: ClinVar variation 1800026 (VCV001800026.2), dbSNP rs1238265872, ClinGen allele CA357256869.